The following is an entry in ClinVar:

NM_018341.3(ERMARD):c.754G>A (p.Glu252Lys)

Gene: ERMARD (ER membrane associated RNA degradation; plus strand). Cytogenetic location: 6q27.
Variant type: single nucleotide variant.
Coding change: c.754G>A on transcript NM_018341.3 (MANE Select); coding-DNA position 754, G replaced by A.
Protein change: p.Glu252Lys; replaces glutamic acid 252 with lysine.
Molecular consequence: missense variant.
Genome position (GRCh38, 1-based): chr6:169,760,653, G>A. VCF-style: chr6-169760653-G-A. GRCh37 (hg19) VCF-style: chr6-170160749-G-A.
Other names: c.754G>A, p.Glu252Lys (NM_001278531.2, NM_001278533.2); c.376G>A, p.Glu126Lys (NM_001278532.2, NM_001410957.1); short protein forms E126K, E252K.
Identifiers: ClinVar variation 4881138 (VCV004881138.2).

ClinVar aggregate classification (germline): Uncertain significance (1 of 4 stars; one submission).

Submission:

Dasa
Classification: Uncertain significance. Last evaluated: 2025-11-19. Review status: criteria provided, single submitter. Criteria: DASA Assertion Criteria. Collection method: clinical testing. Allele origin: germline.
Comment: NM_018341.3(ERMARD):c.754G>A (p.Glu252Lys) is a missense variant that results in the substitution of glutamic acid with lysine. This variant is absent from population databases. Computational prediction algorithms are consistent with a benign effect. The currently available literature and clinical evidence are not sufficient to establish a definitive association between this variant and the reported condition. Therefore, this variant is classified as a variant of uncertain significance.